The following is an entry in ClinVar:

NM_004329.3(BMPR1A):c.92A>C (p.His31Pro)

Gene: BMPR1A (bone morphogenetic protein receptor type 1A; plus strand). Cytogenetic location: 10q23.2.
Variant type: single nucleotide variant.
Coding change: c.92A>C on transcript NM_004329.3 (MANE Select); coding-DNA position 92, A replaced by C.
Protein change: p.His31Pro; replaces histidine 31 with proline.
Molecular consequence: missense variant.
Genome position (GRCh38, 1-based): chr10:86,890,086, A>C. VCF-style: chr10-86890086-A-C. GRCh37 (hg19) VCF-style: chr10-88649843-A-C.
Other names: short protein forms H31P.
Identifiers: ClinVar variation 640801 (VCV000640801.16), dbSNP rs1589763313, ClinGen allele CA377446323.
Genomic context (GRCh38, chr10:86,890,086, plus strand): 5'-AAATGATTTACTTACAAATTCCATATTTGAATGCAGGACAGAATCTGGATAGTATGCTTC[A>C]TGGCACTGGGATGAAATCAGACTCCGACCAGAAAAAGTCAGAAAATGGAGTAACCTTAGC-3'
Protein context (NP_004320.2, residues 21-41): VQGQNLDSML[His31Pro]GTGMKSDSDQ

ClinVar aggregate classification (germline): Uncertain significance. Review status: criteria provided, multiple submitters, no conflicts (2 of 4 stars). 4 submissions from 4 submitters: Uncertain significance (4). Last evaluated 2025-01-22.

Conditions:
Juvenile polyposis syndrome (JPS). Identifiers: Orphanet 2929, MedGen C0345893, MONDO:0017380, OMIM 174900.
Hereditary cancer-predisposing syndrome. Also called: Neoplastic Syndromes, Hereditary; Hereditary Cancer Syndrome; Hereditary neoplastic syndrome; Tumor predisposition. Identifiers: Orphanet 140162, MedGen C0027672, MeSH D009386, MONDO:0015356.

Submissions (4):

Labcorp Genetics (formerly Invitae), Labcorp
Classification: Uncertain significance for Juvenile polyposis syndrome. Last evaluated: 2025-01-22. Review status: criteria provided, single submitter. Criteria: Invitae Variant Classification Sherloc (09022015). Collection method: clinical testing. Allele origin: germline.
Comment: This sequence change replaces histidine, which is basic and polar, with proline, which is neutral and non-polar, at codon 31 of the BMPR1A protein (p.His31Pro). This variant is not present in population databases (gnomAD no frequency). This variant has not been reported in the literature in individuals affected with BMPR1A-related conditions. ClinVar contains an entry for this variant (Variation ID: 640801). Invitae Evidence Modeling of protein sequence and biophysical properties (such as structural, functional, and spatial information, amino acid conservation, physicochemical variation, residue mobility, and thermodynamic stability) indicates that this missense variant is not expected to disrupt BMPR1A protein function with a negative predictive value of 95%. In summary, the available evidence is currently insufficient to determine the role of this variant in disease. Therefore, it has been classified as a Variant of Uncertain Significance.

Ambry Genetics
Classification: Uncertain significance for Hereditary cancer-predisposing syndrome. Last evaluated: 2024-08-23. Review status: criteria provided, single submitter. Criteria: Ambry Variant Classification Scheme 2023. Collection method: clinical testing. Allele origin: germline.
Comment: The p.H31P variant (also known as c.92A>C), located in coding exon 2 of the BMPR1A gene, results from an A to C substitution at nucleotide position 92. The histidine at codon 31 is replaced by proline, an amino acid with similar properties. This amino acid position is well conserved in available vertebrate species. In addition, the in silico prediction for this alteration is inconclusive. Since supporting evidence is limited at this time, the clinical significance of this alteration remains unclear.

Color Diagnostics, LLC DBA Color Health
Classification: Uncertain significance for Hereditary cancer-predisposing syndrome. Last evaluated: 2024-03-07. Review status: criteria provided, single submitter. Criteria: ACMG Guidelines, 2015. Collection method: clinical testing. Allele origin: germline.
Comment: This missense variant replaces histidine with proline at codon 31 of the BMPR1A protein. Computational prediction suggests that this variant may not impact protein structure and function (internally defined REVEL score threshold <= 0.5, PMID: 27666373). Splice site prediction tools suggest that this variant may not impact RNA splicing. To our knowledge, functional studies have not been reported for this variant. This variant has not been reported in individuals affected with hereditary cancer in the literature. This variant has not been identified in the general population by the Genome Aggregation Database (gnomAD). The available evidence is insufficient to determine the role of this variant in disease conclusively. Therefore, this variant is classified as a Variant of Uncertain Significance.

GeneDx
Classification: Uncertain significance. Last evaluated: 2019-12-02. Review status: criteria provided, single submitter. Criteria: GeneDx Variant Classification Process June 2021. Collection method: clinical testing. Allele origin: germline. Affected: yes.
Comment: Not observed in large population cohorts (Lek 2016); In silico analysis, which includes protein predictors and evolutionary conservation, supports that this variant does not alter protein structure/function; Has not been previously published as pathogenic or benign to our knowledge